The following is an entry in ClinVar:

ClinVar aggregate classification (germline): Pathogenic (1 of 4 stars; one submission).

Conditions:
Classic homocystinuria. Also called: HOMOCYSTINURIA WITH OR WITHOUT RESPONSE TO PYRIDOXINE; Homocystinuria due to CBS deficiency; Cystathionine beta-synthase deficiency; CBS deficiency; Homocystinuria due to Cystathionine Beta-Synthase Deficiency. Identifiers: Orphanet 394, MedGen C0751202, MONDO:0009352, OMIM 236200.

Submission:

Myriad Genetics, Inc.
Classification: Pathogenic for Classic homocystinuria. Last evaluated: 2024-01-22. Review status: criteria provided, single submitter. Criteria: Myriad Autosomal Dominant, Autosomal Recessive and X-Linked Classification Criteria (2023). Collection method: clinical testing. Allele origin: unknown.
Comment: NM_000071.2(CBS):c.1293_1299del7ins9(C431Wfs*25) is expected to be pathogenic in the context of homocystinuria, CBS-related. This variant is predicted to lead to an abnormal or absent protein product due to the creation of a premature termination codon in CBS, a gene where loss-of-function variants are known to be pathogenic. Please note: this variant was assessed in the context of healthy population screening.

NM_000071.3(CBS):c.1293_1299delinsGTGCTCTCG (p.Cys431fs)

Gene: CBS (cystathionine beta-synthase; minus strand). Cytogenetic location: 21q22.3.
Variant type: Indel.
Coding change: c.1293_1299delinsGTGCTCTCG on transcript NM_000071.3 (MANE Select); coding-DNA positions 1293 to 1299, TGGGCAC replaced by GTGCTCTCG.
Protein change: p.Cys431fs; shifts the reading frame from cysteine 431.
Molecular consequence: frameshift variant.
Genome position (GRCh38, 1-based): chr21:43,058,893-43,058,899, GTGCCCA replaced by CGAGAGCAC on the plus strand (TGGGCAC replaced by GTGCTCTCG on the coding strand, the reverse complement: CBS is on the minus strand). VCF-style: chr21-43058893-GTGCCCA-CGAGAGCAC. GRCh37 (hg19) VCF-style: chr21-44479003-GTGCCCA-CGAGAGCAC.
Other names: c.1293_1299delinsGTGCTCTCG, p.Cys431fs (NM_001178008.3, NM_001178009.3, NM_001320298.2); c.978_984delinsGTGCTCTCG, p.Cys326fs (NM_001321072.1); short protein forms C326fs, C431fs.
Identifiers: ClinVar variation 5012671 (VCV005012671.1).